The following is an entry in ClinVar:

ClinVar aggregate classification (germline): Likely benign. Review status: reviewed by expert panel (3 of 4 stars). 13 submissions from 13 submitters: Likely benign (1). 12 of the submissions do not count toward it. Last evaluated 2017-06-29.

Conditions:
BRCA2-related disorder. Also called: BRCA2-related condition; BRCA2-related disorders. Identifiers: MedGen CN239275.
Hereditary cancer-predisposing syndrome. Also called: Hereditary Cancer Syndrome; Tumor predisposition; Neoplastic Syndromes, Hereditary; Hereditary neoplastic syndrome. Identifiers: Orphanet 140162, MedGen C0027672, MeSH D009386, MONDO:0015356.
Hereditary breast ovarian cancer syndrome. Also called: Breast and ovarian cancer; BRCA1- and BRCA2-Associated Hereditary Breast and Ovarian Cancer; Hereditary breast and ovarian cancer; Hereditary breast and ovarian cancer syndrome (HBOC); Hereditary breast and ovarian cancer syndrome; Hereditary breast and/or ovarian cancer syndrome. Identifiers: Orphanet 145, MedGen C0677776, MeSH D061325, MONDO:0003582. Disease mechanism: loss of function.
Breast-ovarian cancer, familial, susceptibility to, 2 (BROVCA2). Also called: BRCA2 Hereditary Breast and Ovarian Cancer. Identifiers: Orphanet 145, MedGen C2675520, MONDO:0012933, OMIM 612555. Disease mechanism: loss of function.

Allele frequency attached by ClinVar (database versions not stated): gnomAD exomes below 0.00001 and 0.00001; ExAC 0.00001; gnomAD 0.00003 and 0.00004; TOPMed 0.00005; ESP Exome Variant Server 0.00015.
gnomAD v4.1: 19 of 1,609,278 alleles (0.0012%); highest among the groups gnomAD compares: African/African-American, 0.024%; no homozygotes.

Submissions (13):

Evidence-based Network for the Interpretation of Germline Mutant Alleles (ENIGMA)
Classification: Likely benign for Breast-ovarian cancer, familial, susceptibility to, 2. Last evaluated: 2017-06-29. Review status: reviewed by expert panel. Criteria: ENIGMA BRCA1/2 Classification Criteria (2017-06-29). Collection method: curation. Allele origin: germline.
Comment: Synonymous substitution variant, with low bioinformatic likelihood to result in a splicing aberration (Splicing prior probability 0.02).

Labcorp Genetics (formerly Invitae), Labcorp
Classification: Likely benign for Hereditary breast ovarian cancer syndrome. Last evaluated: 2026-01-14. Review status: criteria provided, single submitter. Criteria: Invitae Variant Classification Sherloc (09022015). Collection method: clinical testing. Allele origin: germline. Not counted in ClinVar's aggregate classification.

CeGaT Center for Human Genetics Tuebingen
Classification: Likely benign. Last evaluated: 2025-03-01. Review status: criteria provided, single submitter. Criteria: CeGaT Center For Human Genetics Tuebingen Variant Classification Criteria Version 2. Collection method: clinical testing. Allele origin: germline. Affected: yes. Observed: 1 variant allele. Not counted in ClinVar's aggregate classification.
Comment: BRCA2: BP4, BP7

Quest Diagnostics Nichols Institute San Juan Capistrano
Classification: Likely benign. Last evaluated: 2025-02-22. Review status: criteria provided, single submitter. Criteria: Quest Diagnostics criteria. Collection method: clinical testing. Allele origin: unknown. Not counted in ClinVar's aggregate classification.

All of Us Research Program, National Institutes of Health
Classification: Likely benign for Breast-ovarian cancer, familial, susceptibility to, 2. Last evaluated: 2024-01-11. Review status: criteria provided, single submitter. Criteria: ACMG Guidelines, 2015. Collection method: clinical testing. Allele origin: germline. Inheritance: Autosomal dominant inheritance. Observed: 4 variant alleles, 4 heterozygotes. Not counted in ClinVar's aggregate classification.
Comment: This study involves interpretation of variants in research participants for the purpose of population health screening. Participant phenotype was not available at the time of variant classification. Additional details can be found in publication PMID: 35346344, PMCID: PMC8962531

Sema4
Classification: Likely benign for Hereditary cancer-predisposing syndrome. Last evaluated: 2021-05-29. Review status: criteria provided, single submitter. Criteria: Sema4 Curation Guidelines. Collection method: curation. Allele origin: germline. Not counted in ClinVar's aggregate classification.

GeneDx
Classification: Likely benign. Last evaluated: 2020-11-18. Review status: criteria provided, single submitter. Criteria: GeneDx Variant Classification Process June 2021. Collection method: clinical testing. Allele origin: germline. Affected: yes. Not counted in ClinVar's aggregate classification.

Women's Health and Genetics/Laboratory Corporation of America, LabCorp
Classification: Likely benign. Last evaluated: 2019-08-21. Review status: criteria provided, single submitter. Criteria: LabCorp Variant Classification Summary - May 2015. Collection method: clinical testing. Allele origin: germline. Not counted in ClinVar's aggregate classification.

Color Diagnostics, LLC DBA Color Health
Classification: Likely benign for Hereditary cancer-predisposing syndrome. Last evaluated: 2016-04-27. Review status: criteria provided, single submitter. Criteria: ACMG Guidelines, 2015. Collection method: clinical testing. Allele origin: germline. Not counted in ClinVar's aggregate classification.

Ambry Genetics
Classification: Likely benign for Hereditary cancer-predisposing syndrome. Last evaluated: 2015-10-02. Review status: criteria provided, single submitter. Criteria: Ambry Variant Classification Scheme 2023. Collection method: clinical testing. Allele origin: germline. Not counted in ClinVar's aggregate classification.

PreventionGenetics, part of Exact Sciences
Classification: Likely benign for BRCA2-related condition. Last evaluated: 2021-12-02. Review status: no assertion criteria provided. Collection method: clinical testing. Allele origin: germline. Not counted in ClinVar's aggregate classification.
Comment: This variant is classified as likely benign based on ACMG/AMP sequence variant interpretation guidelines (Richards et al. 2015 PMID: 25741868, with internal and published modifications).

Counsyl
Classification: Likely benign for Breast-ovarian cancer, familial, susceptibility to, 2. Last evaluated: 2017-02-08. Review status: no assertion criteria provided. Collection method: clinical testing. Allele origin: unknown. Not counted in ClinVar's aggregate classification.

Breast Cancer Information Core (BIC) (BRCA2)
Classification: Uncertain significance for Breast-ovarian cancer, familial 2. Last evaluated: 2003-10-29. Review status: no assertion criteria provided. Collection method: clinical testing. Allele origin: unknown. Affected: yes. Observed: 1 variant allele. Not counted in ClinVar's aggregate classification.

Literature cited by the submitters: PubMed 39427061 (cited by Quest Diagnostics Nichols Institute San Juan Capistrano); PubMed 32486089 (cited by Quest Diagnostics Nichols Institute San Juan Capistrano).

NM_000059.4(BRCA2):c.6633T>C (p.Val2211=)

Gene: BRCA2 (BRCA2 DNA repair associated; plus strand). Cytogenetic location: 13q13.1.
Variant type: single nucleotide variant.
Coding change: c.6633T>C on transcript NM_000059.4 (MANE Select); coding-DNA position 6633, T replaced by C.
Protein change: p.Val2211=; no amino-acid change (valine 2211 retained).
Molecular consequence: synonymous variant.
Genome position (GRCh38, 1-based): chr13:32,340,988, T>C. VCF-style: chr13-32340988-T-C. GRCh37 (hg19) VCF-style: chr13-32915125-T-C.
Other names: V2211V.
Identifiers: ClinVar variation 52139 (VCV000052139.34), dbSNP rs80359795, ClinGen allele CA024230.